The following is an entry in ClinVar:

NM_001267550.2(TTN):c.51393A>G (p.Glu17131=)

Genes: TTN (titin; minus strand), TTN-AS1 (TTN antisense RNA 1; plus strand). Cytogenetic location: 2q31.2.
Variant type: single nucleotide variant.
Coding change: c.51393A>G on transcript NM_001267550.2 (MANE Select); coding-DNA position 51393, A replaced by G.
Protein change: p.Glu17131=; no amino-acid change (glutamic acid 17131 retained).
Molecular consequence: synonymous variant.
Genome position (GRCh38, 1-based): chr2:178,610,133, T>C on the plus strand (A>G on the coding strand, the complement: TTN is on the minus strand). VCF-style: chr2-178610133-T-C. GRCh37 (hg19) VCF-style: chr2-179474860-T-C.
Other names: c.46470A>G, p.Glu15490= (NM_001256850.1); c.24198A>G, p.Glu8066= (NM_003319.4); c.43689A>G, p.Glu14563= (NM_133378.4); c.24573A>G, p.Glu8191= (NM_133432.3); c.24774A>G, p.Glu8258= (NM_133437.4).
Identifiers: ClinVar variation 4874524 (VCV004874524.2).

ClinVar aggregate classification (germline): Uncertain significance (1 of 4 stars; one submission).

Submission:

CeGaT Center for Human Genetics Tuebingen
Classification: Uncertain significance. Last evaluated: 2026-04-01. Review status: criteria provided, single submitter. Criteria: CeGaT Center For Human Genetics Tuebingen Variant Classification Criteria Version 2. Collection method: clinical testing. Allele origin: germline. Affected: yes. Observed: 1 variant allele.
Comment: TTN: PM2:Supporting, BP4